The following is an entry in ClinVar:

NM_198253.3(TERT):c.1234C>T (p.His412Tyr)

Gene: TERT (telomerase reverse transcriptase; minus strand). Cytogenetic location: 5p15.33.
Variant type: single nucleotide variant.
Coding change: c.1234C>T on transcript NM_198253.3 (MANE Select); coding-DNA position 1234, C replaced by T.
Protein change: p.His412Tyr; replaces histidine 412 with tyrosine.
Molecular consequence: missense variant. On other transcripts: non-coding transcript variant (2).
Genome position (GRCh38, 1-based): chr5:1,293,652, G>A on the plus strand (C>T on the coding strand, the complement: TERT is on the minus strand). VCF-style: chr5-1293652-G-A. GRCh37 (hg19) VCF-style: chr5-1293767-G-A.
Other names: c.1234C>T, p.His412Tyr (NM_001193376.3); short protein forms H412Y.
Identifiers: ClinVar variation 12730 (VCV000012730.70), dbSNP rs34094720, ClinGen allele CA122655.
Genomic context (GRCh38, chr5:1,293,652, plus strand): 5'-GGGGCTTCTCCCGGGCACAGACACCGGCTGCTGGGGTGACCGCAGCTCGCAGCGGGCAGT[G>A]CGTCTTGAGGAGCACCCCGTAGGGGCACTGCGCGTGGTTCCCAAGCAGCTCCAGAAACAG-3'
Protein context (NP_937983.2, residues 402-422): QCPYGVLLKT[His412Tyr]CPLRAAVTPA

ClinVar aggregate classification (germline): Conflicting classifications of pathogenicity. Review status: criteria provided, conflicting classifications (1 of 4 stars). 22 submissions from 19 submitters: Uncertain significance (2); Benign (5); Likely benign (12). 3 of the submissions do not count toward it. Last evaluated 2026-06-01.

Conditions:
Idiopathic Pulmonary Fibrosis. Also called: Idiopathic fibrosing alveolitis, chronic form; idiopathic fibrosing alveolitis. Identifiers: Orphanet 2032, MedGen C1800706, MeSH D054990, MONDO:0800504.
Dyskeratosis congenita, autosomal dominant 2. Identifiers: MedGen C3151443, MONDO:0013521, OMIM 613989.
Acute myeloid leukemia (AML). Also called: Leukemia, acute myeloid, somatic; Leukemia, acute myelogenous, somatic; Acute myeloid leukemia, adult; AML adult; Acute non-lymphocytic leukemia; Acute granulocytic leukemia. Identifiers: Orphanet 519, MedGen C0023467, MeSH D015470, MONDO:0018874, OMIM 601626, HP:0004808. Disease mechanism: Constitutively activated FLT3.
Melanoma, cutaneous malignant, susceptibility to, 9. Also called: Cutaneous malignant melanoma 9. Identifiers: Orphanet 618, MedGen C3554574, MONDO:0014056, OMIM 615134.
Pulmonary fibrosis and/or bone marrow failure, Telomere-related, 1. Also called: PULMONARY FIBROSIS AND/OR BONE MARROW FAILURE SYNDROME, TELOMERE-RELATED, 1. Identifiers: Orphanet 88, MedGen C3553617, MONDO:0013878, OMIM 614742.
Dyskeratosis congenita. Identifiers: Orphanet 1775, MedGen C0265965, MONDO:0015780.
Autosomal recessive dyskeratosis congenita 4. Identifiers: MedGen C3151444, MONDO:0027353.
Aplastic anemia. Identifiers: Orphanet 182040, Orphanet 88, MedGen C0002874, MONDO:0015909, OMIM 609135, HP:0001915.

Allele frequency attached by ClinVar (database versions not stated): 1000 Genomes Project 0.00060; 1000 Genomes Project 30x 0.00062; gnomAD 0.00310 and 0.00316; TOPMed 0.00323; ExAC 0.00634.
gnomAD v4.1: 7,043 of 1,561,382 alleles (0.45%); highest among the groups gnomAD compares: Non-Finnish European, 0.52%; 20 homozygotes.

Submissions 1 to 14 of 22:

CeGaT Center for Human Genetics Tuebingen
Classification: Likely benign. Last evaluated: 2026-06-01. Review status: criteria provided, single submitter. Criteria: CeGaT Center For Human Genetics Tuebingen Variant Classification Criteria Version 2. Collection method: clinical testing. Allele origin: germline. Affected: yes. Observed: 27 variant alleles.
Comment: TERT: BS1

Labcorp Genetics (formerly Invitae), Labcorp
Classification: Benign for Dyskeratosis congenita, autosomal dominant 2; Idiopathic Pulmonary Fibrosis. Last evaluated: 2026-02-01. Review status: criteria provided, single submitter. Criteria: Invitae Variant Classification Sherloc (09022015). Collection method: clinical testing. Allele origin: germline.

Dasa
Classification: Benign. Last evaluated: 2025-12-24. Review status: criteria provided, single submitter. Criteria: DASA Assertion Criteria. Collection method: clinical testing. Allele origin: germline.
Comment: NM_198253.3(TERT):c.1234C>T (p.His412Tyr) is interpreted as benign based on a combination of available evidence, including population frequency, and observations in unaffected individuals. Based on the available data, this variant is classified as benign.

Laboratory of Genetics, Children's Clinical University Hospital Latvia
Classification: Likely benign. Last evaluated: 2025-02-16. Review status: criteria provided, single submitter. Criteria: ACMG Guidelines, 2015. Collection method: clinical testing. Allele origin: germline. Affected: yes.

ARUP Laboratories, Molecular Genetics and Genomics, ARUP Laboratories
Classification: Uncertain significance. Last evaluated: 2025-01-18. Review status: criteria provided, single submitter. Criteria: ARUP Molecular Germline Variant Investigation Process 2024. Collection method: clinical testing. Allele origin: germline.
Comment: The TERT c.1234C>T; p.His412Tyr variant (rs34094720, ClinVar Variation ID: 12730)) is reported in the literature in healthy older individuals (Du 2009) and also in multiple individuals affected with inherited malignancies, including familial cancers (Goldstein 2020)(Maxwell 2016), interstitial pulmonary fibrosis (Sugino 2015)(Juge 2017), and bone marrow failure syndromes (Yamaguchi 2005)(Galvez 2021)(Bluteau 2018). This variant is found in the Ashkenazi Jewish population with an allele frequency of 1.9% (167/8868 alleles, including three homozygotes) in the Genome Aggregation Database (v2.1.1). Multiple functional analyses demonstrated conflicting reduction in telomerase activity ranging from 9% - 64% compared to wildtype (Yamaguchi 2005)(Du 2008)(Alder 2008), while the telomere length itself is unaltered in patients carrying His412Tyr variant (Du 2009). Computational analyses are uncertain whether this variant is neutral or deleterious (REVEL: 0.672). The high population frequency suggests that this is likely a benign variant; however, due to the presence of reported clinical cases and conflicting functional data, the significance of this variant is uncertain at this time. References: Alder JK et al. Short telomeres are a risk factor for idiopathic pulmonary fibrosis. Proc Natl Acad Sci U S A. 2008 Sep 2. PMID: 18753630 Bluteau O et al. A landscape of germ line mutations in a cohort of inherited bone marrow failure patients. Blood. 2018 Feb 15. PMID: 29146883 Du HY et al. TERC and TERT gene mutations in patients with bone marrow failure and the significance of telomere length measurements. Blood. 2009 Jan 8. PMID: 18931339 Du HY et al. Complex inheritance pattern of dyskeratosis congenita in two families with 2 different mutations in the telomerase reverse transcriptase gene. Blood. 2008 Feb 1. PMID: 18042801 Galvez E et al. Next-generation Sequencing in Bone Marrow Failure Syndromes and Isolated Cytopenias: Experience of the Spanish Network on Bone Marrow Failure Syndromes. Hemasphere. 2021 Apr. PMID: 33718801 Goldstein JB et al. Germline DNA Sequencing Reveals Novel Mutations Predictive of Overall Survival in a Cohort of Patients with Pancreatic Cancer. Clin Cancer Res. 2020 Mar 15. PMID: 31871297 Juge PA et al. Shared genetic predisposition in rheumatoid arthritis-interstitial lung disease and familial pulmonary fibrosis. Eur Respir J. 2017 May. PMID: 28495692 Maxwell KN et al. Evaluation of ACMG-Guideline-Based Variant Classification of Cancer Susceptibility and Non-Cancer-Associated Genes in Families Affected by Breast Cancer. Am J Hum Genet. 2016 May 5. PMID: 27153395 Sugino S et al. Peripartum Anesthetic Management and Genomic Analysis of Rare Variants in a Patient with Familial Pulmonary Fibrosis. A A Case Rep. 2015 Nov 15. PMID: 26576048 Yamaguchi H et al. Mutations in TERT, the gene for telomerase reverse transcriptase, in aplastic anemia. N Engl J Med. 2005 Apr 7. PMID: 15814878

Blueprint Genetics
Classification: Likely benign. Last evaluated: 2024-11-19. Review status: criteria provided, single submitter. Criteria: ACMG Guidelines, 2015. Collection method: clinical testing. Allele origin: germline.

Ambry Genetics
Classification: Likely benign for Dyskeratosis congenita. Last evaluated: 2024-08-20. Review status: criteria provided, single submitter. Criteria: Ambry Variant Classification Scheme 2023. Collection method: clinical testing. Allele origin: germline.

Institute for Clinical Genetics, University Hospital TU Dresden, University Hospital TU Dresden
Classification: Uncertain significance. Last evaluated: 2021-11-03. Review status: criteria provided, single submitter. Criteria: ACMG Guidelines, 2015. Collection method: clinical testing. Allele origin: germline.

GeneDx
Classification: Likely benign. Last evaluated: 2020-08-26. Review status: criteria provided, single submitter. Criteria: GeneDx Variant Classification Process June 2021. Collection method: clinical testing. Allele origin: germline. Affected: yes.
Comment: This variant is associated with the following publications: (PMID: 28495692, 31871297, 31268371, 29483670, 29416752, 30791107, 15814878, 29146883, 19147845, 19760749, 26576048, 27153395, 27111861, 23716176, 18753630, 23901009, 18042801, 23538340)

Sema4
Classification: Benign for Dyskeratosis congenita. Last evaluated: 2020-03-26. Review status: criteria provided, single submitter. Criteria: Sema4 Curation Guidelines. Collection method: curation. Allele origin: germline.

Mayo Clinic Laboratories, Mayo Clinic
Classification: Benign. Last evaluated: 2019-04-11. Review status: criteria provided, single submitter. Criteria: ACMG Guidelines, 2015. Collection method: clinical testing. Allele origin: germline. Observed: 12 variant alleles.

Genetic Services Laboratory, University of Chicago
Classification: Benign. Last evaluated: 2018-11-06. Review status: criteria provided, single submitter. Criteria: ACMG Guidelines, 2015. Collection method: clinical testing. Allele origin: germline. Affected: no.

Illumina Laboratory Services, Illumina
Classification: Likely benign for Aplastic anemia. Last evaluated: 2017-04-27. Review status: criteria provided, single submitter. Criteria: ICSL Variant Classification Criteria 13 December 2019. Collection method: clinical testing. Allele origin: germline.
Comment: This variant was observed as part of a predisposition screen in an ostensibly healthy population. A literature search was performed for the gene, cDNA change, and amino acid change (where applicable). Publications were found based on this search. The evidence from the literature, in combination with allele frequency data from public databases where available, was sufficient to determine this variant is unlikely to cause disease. Therefore, this variant is classified as likely benign.

Illumina Laboratory Services, Illumina
Classification: Likely benign for Dyskeratosis congenita, autosomal dominant 2. Last evaluated: 2017-04-27. Review status: criteria provided, single submitter. Criteria: ICSL Variant Classification Criteria 13 December 2019. Collection method: clinical testing. Allele origin: germline.
Comment: the same text as in the submission from Illumina Laboratory Services, Illumina above.